The following is an entry in ClinVar:

ClinVar aggregate classification (germline): Uncertain significance (1 of 4 stars; one submission).

Allele frequency attached by ClinVar (database versions not stated): gnomAD exomes below 0.00001.
gnomAD v4.1: 2 of 1,614,166 alleles (0.00012%); highest among the groups gnomAD compares: Non-Finnish European, 0.00017%; no homozygotes.

Submission:

Ambry Genetics
Classification: Uncertain significance. Last evaluated: 2020-09-04. Review status: criteria provided, single submitter. Criteria: Ambry Variant Classification Scheme 2023. Collection method: clinical testing. Allele origin: germline.
Comment: The p.G505S variant (also known as c.1513G>A), located in coding exon 9 of the GALNT12 gene, results from a G to A substitution at nucleotide position 1513. The glycine at codon 505 is replaced by serine, an amino acid with similar properties. This amino acid position is not well conserved in available vertebrate species. In addition, this alteration is predicted to be tolerated by in silico analysis. Since supporting evidence is limited at this time, the clinical significance of this alteration remains unclear.

NM_024642.5(GALNT12):c.1513G>A (p.Gly505Ser)

Gene: GALNT12 (polypeptide N-acetylgalactosaminyltransferase 12; plus strand). Cytogenetic location: 9q22.33.
Variant type: single nucleotide variant.
Coding change: c.1513G>A on transcript NM_024642.5 (MANE Select); coding-DNA position 1513, G replaced by A.
Protein change: p.Gly505Ser; replaces glycine 505 with serine.
Molecular consequence: missense variant.
Genome position (GRCh38, 1-based): chr9:98,846,031, G>A. VCF-style: chr9-98846031-G-A. GRCh37 (hg19) VCF-style: chr9-101608313-G-A.
Other names: short protein forms G505S.
Identifiers: ClinVar variation 1774269 (VCV001774269.2), dbSNP rs2490557550, ClinGen allele CA374221705.